The following is an entry in ClinVar:

NM_000368.5(TSC1):c.1022C>A (p.Pro341Gln)

Gene: TSC1 (TSC complex subunit 1; minus strand). Cytogenetic location: 9q34.13.
Variant type: single nucleotide variant.
Coding change: c.1022C>A on transcript NM_000368.5 (MANE Select); coding-DNA position 1022, C replaced by A.
Protein change: p.Pro341Gln; replaces proline 341 with glutamine.
Molecular consequence: missense variant. On other transcripts: 5 prime UTR variant (2), non-coding transcript variant (5).
Genome position (GRCh38, 1-based): chr9:132,911,460, G>T on the plus strand (C>A on the coding strand, the complement: TSC1 is on the minus strand). VCF-style: chr9-132911460-G-T. GRCh37 (hg19) VCF-style: chr9-135786847-G-T.
Other names: c.659C>A, p.Pro220Gln (NM_001362177.2, NM_001406614.1, NM_001406615.1 and 10 more transcripts); c.1022C>A, p.Pro341Gln (NM_001406592.1, NM_001406593.1, NM_001406594.1 and 16 more transcripts); c.869C>A, p.Pro290Gln (NM_001162427.2, NM_001406610.1, NM_001406611.1 and 2 more transcripts); c.-72C>A (NM_001406629.1, NM_001406630.1); c.71C>A, p.Pro24Gln (NM_001406626.1, NM_001406627.1, NM_001406628.1); short protein forms P290Q, P341Q, P24Q, P220Q.
Identifiers: ClinVar variation 5031271 (VCV005031271.1).

ClinVar aggregate classification (germline): Uncertain significance (1 of 4 stars; one submission).

Conditions:
Hereditary cancer-predisposing syndrome. Also called: Neoplastic Syndromes, Hereditary; Tumor predisposition; Hereditary neoplastic syndrome; Hereditary Cancer Syndrome. Identifiers: Orphanet 140162, MedGen C0027672, MeSH D009386, MONDO:0015356.

Submission:

Ambry Genetics
Classification: Uncertain significance for Hereditary cancer-predisposing syndrome. Last evaluated: 2026-08-31. Review status: criteria provided, single submitter. Criteria: Ambry Variant Classification Scheme 2023. Collection method: clinical testing. Allele origin: germline.
Comment: The p.P341Q variant (also known as c.1022C>A), located in coding exon 8 of the TSC1 gene, results from a C to A substitution at nucleotide position 1022. The proline at codon 341 is replaced by glutamine, an amino acid with similar properties. This amino acid position is conserved. In addition, this alteration is predicted to be deleterious by in silico analysis. Based on the available evidence, the clinical significance of this variant remains unclear.